The following is an entry in ClinVar:

NM_001368809.2(AMPD2):c.1583G>A (p.Arg528His)

Genes: AMPD2 (adenosine monophosphate deaminase 2; plus strand), LOC126805822 (BRD4-independent group 4 enhancer GRCh37_chr1:110170748-110171947; plus strand). Cytogenetic location: 1p13.3.
Variant type: single nucleotide variant.
Coding change: c.1583G>A on transcript NM_001368809.2 (MANE Select); coding-DNA position 1583, G replaced by A.
Protein change: p.Arg528His; replaces arginine 528 with histidine.
Molecular consequence: missense variant.
Genome position (GRCh38, 1-based): chr1:109,629,120, G>A. VCF-style: chr1-109629120-G-A. GRCh37 (hg19) VCF-style: chr1-110171742-G-A.
Other names: c.1391G>A, p.Arg464His (NM_001257361.2); c.1520G>A, p.Arg507His (NM_001308170.1); c.1583G>A, p.Arg528His (NM_004037.9); c.1502G>A, p.Arg501His (NM_139156.4); short protein forms R528H, R464H, R507H, R501H.
Identifiers: ClinVar variation 1394406 (VCV001394406.6), dbSNP rs772541636, ClinGen allele CA993142.

ClinVar aggregate classification (germline): Uncertain significance (1 of 4 stars; one submission).

Conditions:
Pontocerebellar hypoplasia type 9. Identifiers: Orphanet 369920, MedGen C4014354, MONDO:0014351, OMIM 615809.
Hereditary spastic paraplegia 63. Also called: Spastic paraplegia 63, autosomal recessive. Identifiers: Orphanet 401805, MedGen C3810295, MONDO:0014305, OMIM 615686.

Allele frequency attached by ClinVar (database versions not stated): gnomAD 0.00001; TOPMed 0.00001.

Submission:

Labcorp Genetics (formerly Invitae), Labcorp
Classification: Uncertain significance for Pontocerebellar hypoplasia type 9; Hereditary spastic paraplegia 63. Last evaluated: 2021-11-09. Review status: criteria provided, single submitter. Criteria: Invitae Variant Classification Sherloc (09022015). Collection method: clinical testing. Allele origin: germline.
Comment: In summary, the available evidence is currently insufficient to determine the role of this variant in disease. Therefore, it has been classified as a Variant of Uncertain Significance. This sequence change replaces arginine, which is basic and polar, with histidine, which is basic and polar, at codon 582 of the AMPD2 protein (p.Arg582His). The frequency data for this variant in the population databases is considered unreliable, as metrics indicate poor data quality at this position in the gnomAD database. This variant has not been reported in the literature in individuals affected with AMPD2-related conditions. Algorithms developed to predict the effect of missense changes on protein structure and function (SIFT, PolyPhen-2, Align-GVGD) all suggest that this variant is likely to be tolerated.